The following is an entry in ClinVar:

ClinVar aggregate classification (germline): Likely benign (0 of 4 stars; one submission).

Conditions:
BRCA1-related disorder. Also called: BRCA1-related condition.

Submission:

PreventionGenetics, part of Exact Sciences
Classification: Likely benign for BRCA1-related condition. Last evaluated: 2024-05-02. Review status: no assertion criteria provided. Collection method: clinical testing. Allele origin: germline.
Comment: This variant is classified as likely benign based on ACMG/AMP sequence variant interpretation guidelines (Richards et al. 2015 PMID: 25741868, with internal and published modifications).

NM_007294.4(BRCA1):c.5333-21A>C

Gene: BRCA1 (BRCA1 DNA repair associated; minus strand). Cytogenetic location: 17q21.31.
Variant type: single nucleotide variant.
Coding change: c.5333-21A>C on transcript NM_007294.4 (MANE Select); 21 bases into the intron before coding-DNA position 5333, A replaced by C.
Molecular consequence: intron variant.
Genome position (GRCh38, 1-based): chr17:43,049,215, T>G on the plus strand (A>C on the coding strand, the complement: BRCA1 is on the minus strand). VCF-style: chr17-43049215-T-G. GRCh37 (hg19) VCF-style: chr17-41201232-T-G.
Other names: c.1880-21A>C (NM_001408458.1, NM_001408461.1, NM_001408464.1 and 7 more transcripts); c.4442-21A>C (NM_001407967.1); c.4952-21A>C (NM_001407959.1); c.5066-21A>C (NM_001407931.1, NM_001407932.1, NM_001407928.1 and 4 more transcripts); c.5189-21A>C (NM_001407747.1, NM_001407745.1, NM_001407737.1 and 18 more transcripts); c.4949-21A>C (NM_001407962.1, NM_001407960.1); c.1520-21A>C (NM_001408512.1); c.1643-21A>C (NM_001408510.1); and 84 more.
Identifiers: ClinVar variation 3032864 (VCV003032864.2), dbSNP rs2547192404, ClinGen allele CA2740090952.